The following is an entry in ClinVar:

ClinVar aggregate classification (germline): Uncertain significance (1 of 4 stars; one submission).

Conditions:
Spastic paraplegia. Identifiers: MedGen C0037772, HP:0001258.

Submission:

Labcorp Genetics (formerly Invitae), Labcorp
Classification: Uncertain significance for Spastic paraplegia. Last evaluated: 2021-08-07. Review status: criteria provided, single submitter. Criteria: Invitae Variant Classification Sherloc (09022015). Collection method: clinical testing. Allele origin: germline.
Comment: Variants that disrupt the consensus splice site are a relatively common cause of aberrant splicing (PMID: 17576681, 9536098). Algorithms developed to predict the effect of sequence changes on RNA splicing suggest that this variant is not likely to affect RNA splicing. In summary, the available evidence is currently insufficient to determine the role of this variant in disease. Therefore, it has been classified as a Variant of Uncertain Significance. This variant has not been reported in the literature in individuals affected with CYP7B1-related conditions. This sequence change falls in intron 1 of the CYP7B1 gene. It does not directly change the encoded amino acid sequence of the CYP7B1 protein. It affects a nucleotide within the consensus splice site of the intron. This variant is not present in population databases (ExAC no frequency).

Literature cited by the submitters: PubMed 17576681; PubMed 9536098.

NM_004820.5(CYP7B1):c.123-3T>C

Gene: CYP7B1 (cytochrome P450 family 7 subfamily B member 1; minus strand). Cytogenetic location: 8q12.3.
Variant type: single nucleotide variant.
Coding change: c.123-3T>C on transcript NM_004820.5 (MANE Select); 3 bases into the intron before coding-DNA position 123, T replaced by C.
Molecular consequence: intron variant.
Genome position (GRCh38, 1-based): chr8:64,624,542, A>G on the plus strand (T>C on the coding strand, the complement: CYP7B1 is on the minus strand). VCF-style: chr8-64624542-A-G. GRCh37 (hg19) VCF-style: chr8-65537099-A-G.
Other names: c.123-3T>C (NM_001324112.2).
Identifiers: ClinVar variation 1476437 (VCV001476437.6), dbSNP rs2129630435, ClinGen allele CA2573143287.